The following is an entry in ClinVar:

NM_001849.4(COL6A2):c.2519G>A (p.Gly840Asp)

Gene: COL6A2 (collagen type VI alpha 2 chain; plus strand). Cytogenetic location: 21q22.3.
Variant type: single nucleotide variant.
Coding change: c.2519G>A on transcript NM_001849.4 (MANE Select); coding-DNA position 2519, G replaced by A.
Protein change: p.Gly840Asp; replaces glycine 840 with aspartic acid.
Molecular consequence: missense variant.
Genome position (GRCh38, 1-based): chr21:46,132,011, G>A. VCF-style: chr21-46132011-G-A. GRCh37 (hg19) VCF-style: chr21-47551925-G-A.
Other names: short protein forms G840D.
Identifiers: ClinVar variation 1339177 (VCV001339177.2), dbSNP rs2123454544, ClinGen allele CA410548198.
Genomic context (GRCh38, chr21:46,132,011, plus strand): 5'-CAGAGCTGTCCGTGGCACAGTGCACGCAGCGGCCCGTGGACATCGTCTTCCTGCTGGACG[G>A]CTCCGAGCGGCTGGGTGAGCAGAACTTCCACAAGGCCCGGCGCTTCGTGGAGCAGGTGGC-3'
Protein context (NP_001840.3, residues 830-850): RPVDIVFLLD[Gly840Asp]SERLGEQNFH

ClinVar aggregate classification (germline): Uncertain significance (1 of 4 stars; one submission).

Conditions:
Ullrich congenital muscular dystrophy 1A. Also called: Intermediate COL6-RD; Ullrich congenital muscular dystrophy 1. Identifiers: Orphanet 75840, MedGen C0410179, MONDO:0009681, OMIM 254090.

Allele frequency attached by ClinVar (database versions not stated): gnomAD exomes below 0.00001.
gnomAD v4.1: 2 of 1,609,890 alleles (0.00012%); highest among the groups gnomAD compares: Non-Finnish European, 0.00017%; no homozygotes.

Submission:

Neuberg Centre For Genomic Medicine, NCGM
Classification: Uncertain significance for Ullrich congenital muscular dystrophy 1A. Review status: criteria provided, single submitter. Criteria: ACMG Guidelines, 2015. Collection method: clinical testing. Allele origin: germline. Affected: yes.
Comment: The missense variant p.G840D in COL6A2 (NM_001849.4) has not been reported previously as a pathogenic variant nor as a benign variant, to our knowledge. The p.G840D variant is novel (not in any individuals) in gnomAD Exomes and is novel (not in any individuals) in 1000 Genomes. The p.G840D missense variant is predicted to be damaging by both SIFT and PolyPhen2. The nucleotide c.2519 in COL6A2 is predicted conserved by GERP++ and PhyloP across 100 vertebrates. Glycine substitutions are commonly disease causing in the collagen chain, however the above substituion is the last exon and hence functional studies will be required to prove pathogenicity. For these reasons, this variant has been classified as Uncertain Significance.